The following is an entry in ClinVar:

ClinVar aggregate classification (germline): Uncertain significance (1 of 4 stars; one submission).

Conditions:
Spastic paraplegia. Identifiers: MedGen C0037772, HP:0001258.

Allele frequency attached by ClinVar (database versions not stated): gnomAD exomes below 0.00001; TOPMed below 0.00001; gnomAD 0.00001.
gnomAD v4.1: 5 of 1,613,528 alleles (0.00031%); highest among the groups gnomAD compares: Non-Finnish European, 0.00042%; no homozygotes.

Submission:

Labcorp Genetics (formerly Invitae), Labcorp
Classification: Uncertain significance for Spastic paraplegia. Last evaluated: 2025-01-20. Review status: criteria provided, single submitter. Criteria: Invitae Variant Classification Sherloc (09022015). Collection method: clinical testing. Allele origin: germline.
Comment: This sequence change replaces threonine, which is neutral and polar, with isoleucine, which is neutral and non-polar, at codon 192 of the CYP7B1 protein (p.Thr192Ile). This variant is not present in population databases (gnomAD no frequency). This variant has not been reported in the literature in individuals affected with CYP7B1-related conditions. ClinVar contains an entry for this variant (Variation ID: 2715155). Invitae Evidence Modeling of protein sequence and biophysical properties (such as structural, functional, and spatial information, amino acid conservation, physicochemical variation, residue mobility, and thermodynamic stability) has been performed for this missense variant. However, the output from this modeling did not meet the statistical confidence thresholds required to predict the impact of this variant on CYP7B1 protein function. In summary, the available evidence is currently insufficient to determine the role of this variant in disease. Therefore, it has been classified as a Variant of Uncertain Significance.

NM_004820.5(CYP7B1):c.575C>T (p.Thr192Ile)

Gene: CYP7B1 (cytochrome P450 family 7 subfamily B member 1; minus strand). Cytogenetic location: 8q12.3.
Variant type: single nucleotide variant.
Coding change: c.575C>T on transcript NM_004820.5 (MANE Select); coding-DNA position 575, C replaced by T.
Protein change: p.Thr192Ile; replaces threonine 192 with isoleucine.
Molecular consequence: missense variant.
Genome position (GRCh38, 1-based): chr8:64,615,966, G>A on the plus strand (C>T on the coding strand, the complement: CYP7B1 is on the minus strand). VCF-style: chr8-64615966-G-A. GRCh37 (hg19) VCF-style: chr8-65528523-G-A.
Other names: c.575C>T, p.Thr192Ile (NM_001324112.2); short protein forms T192I.
Identifiers: ClinVar variation 2715155 (VCV002715155.3), dbSNP rs1255712061, ClinGen allele CA371335442.